The following is an entry in ClinVar:

NM_003172.4(SURF1):c.183_186del (p.Leu62fs)

Gene: SURF1 (SURF1 cytochrome c oxidase assembly factor; minus strand). Cytogenetic location: 9q34.2.
Variant type: Deletion.
Coding change: c.183_186del on transcript NM_003172.4 (MANE Select); coding-DNA positions 183 to 186, 4 bases deleted (TCTT; older notation c.183_186delTCTT).
Protein change: p.Leu62fs; shifts the reading frame from leucine 62.
Molecular consequence: frameshift variant. On other transcripts: 5 prime UTR variant (1).
Genome position (GRCh38, 1-based): chr9:133,354,878-133,354,881, AAGA deleted on the plus strand (TCTT on the coding strand, the reverse complement: SURF1 is on the minus strand); deleting any 4 consecutive bases within chr9:133,354,878-133,354,884 gives the same sequence; the c. name uses the placement nearest the transcript's 3' end. VCF-style (leftmost placement, unchanged base first): chr9-133354877-GAAGA-G. GRCh37 (hg19) VCF-style: chr9-136221732-GAAGA-G.
Other names: c.-145_-142del (NM_001280787.1); c.183_186delTCTT (NM_003172.3); short protein forms L62fs.
Identifiers: ClinVar variation 928764 (VCV000928764.5), dbSNP rs1433471292, ClinGen allele CA860710658.

ClinVar aggregate classification (germline): Pathogenic/Likely pathogenic. Review status: criteria provided, multiple submitters, no conflicts (2 of 4 stars). 2 submissions from 2 submitters: Pathogenic (1); Likely pathogenic (1). Last evaluated 2026-01-19.

Conditions:
Leigh syndrome (NULS). Also called: Leigh's syndrome; Leigh Disease; Subacute necrotizing encephalopathy; Necrotizing encephalopathy infantile subacute of Leigh; LEIGH SYNDROME, NUCLEAR; Leigh Syndrome (mtDNA deletion). Identifiers: Orphanet 506, MedGen C2931891, MONDO:0009723, OMIM 256000.

Submissions (2):

Labcorp Genetics (formerly Invitae), Labcorp
Classification: Pathogenic for Leigh syndrome. Last evaluated: 2026-01-19. Review status: criteria provided, single submitter. Criteria: Invitae Variant Classification Sherloc (09022015). Collection method: clinical testing. Allele origin: germline.
Comment: This sequence change creates a premature translational stop signal (p.Leu62Serfs*9) in the SURF1 gene. It is expected to result in an absent or disrupted protein product. Loss-of-function variants in SURF1 are known to be pathogenic (PMID: 10443880, 22488715, 24027061). This variant is present in population databases (no rsID available, gnomAD 0.007%). This premature translational stop signal has been observed in individual(s) with Leigh syndrome (PMID: 22488715). ClinVar contains an entry for this variant (Variation ID: 928764). For these reasons, this variant has been classified as Pathogenic.

Women's Health and Genetics/Laboratory Corporation of America, LabCorp
Classification: Likely pathogenic for Leigh syndrome. Last evaluated: 2023-02-16. Review status: criteria provided, single submitter. Criteria: LabCorp Variant Classification Summary - May 2015. Collection method: clinical testing. Allele origin: germline.
Comment: Variant summary: SURF1 c.183_186delTCTT (p.Leu62SerfsX9) results in a premature termination codon, predicted to cause a truncation of the encoded protein or absence of the protein due to nonsense mediated decay, which are commonly known mechanisms for disease. Truncations downstream of this position have been classified as pathogenic by our laboratory. The variant allele was found at a frequency of 1.3e-05 in 150970 control chromosomes (gnomAD v3.1.2). c.183_186delTCTT has been reported in the literature in a compound heterozygous individuals affected with Leigh Syndrome (Lee_2012). These data do not allow any conclusion about variant significance. To our knowledge, no experimental evidence demonstrating an impact on protein function has been reported. No clinical diagnostic laboratories have submitted clinical-significance assessments for this variant to ClinVar after 2014. Based on the evidence outlined above, the variant was classified as likely pathogenic.

Literature cited by the submitters: PubMed 10443880 (cited by Labcorp Genetics (formerly Invitae), Labcorp); PubMed 22488715 (cited by Labcorp Genetics (formerly Invitae), Labcorp and Women's Health and Genetics/Laboratory Corporation of America, LabCorp); PubMed 24027061 (cited by Labcorp Genetics (formerly Invitae), Labcorp).